The following continues an entry in ClinVar:

NM_004360.5(CDH1):c.1297G>A (p.Asp433Asn)

Gene: CDH1. ClinVar aggregate classification (germline): Likely benign. Likely benign (1).

Submissions 15 to 19 of 19:

Pittsburgh Clinical Genomics Laboratory, University of Pittsburgh Medical Center
Classification: Uncertain significance for Hereditary diffuse gastric cancer. Last evaluated: 2018-06-21. Review status: criteria provided, single submitter. Criteria: ACMG Guidelines, 2015. Collection method: clinical testing. Allele origin: germline. Affected: yes. Observed: 1 variant allele. Not counted in ClinVar's aggregate classification.
Comment: This sequence variant is a single nucleotide substitution (G>A) that results in an aspartic acid to asparagine amino acid change at residue 433 in the CDH1 protein. The variant is rare, and is present in 3/120502 alleles (0.002%) in the ExAC database. The variant has been observed in a sporadic gastric cancer patient (PMID: 23435907) and at least two women with breast cancer, including one case of lobular breast cancer (PMID: 20921021) and one breast cancer of unspecified type (PMID: 26976419). This variant lies in cadherin repeat domain 3, but the aspartic acid at this position is not well conserved in this domain; several mammalian species have asparagine at this position. Additionally, the variant lies near a splice site, but mRNA analysis indicates no effects on proper splicing (PMID: 23435907). The majority of in silico tools queried predict that substituting asparagine for aspartic acid at this protein position will have a neutral effect on protein function. However, no functional tests to confirm these predictions have been performed, to our knowledge. At this time, we consider this to be a variant of uncertain significance.

PreventionGenetics, part of Exact Sciences
Classification: Likely benign for CDH1-related condition. Last evaluated: 2024-01-26. Review status: no assertion criteria provided. Collection method: clinical testing. Allele origin: germline. Not counted in ClinVar's aggregate classification.
Comment: This variant is classified as likely benign based on ACMG/AMP sequence variant interpretation guidelines (Richards et al. 2015 PMID: 25741868, with internal and published modifications).

Counsyl
Classification: Uncertain significance for Hereditary diffuse gastric adenocarcinoma. Last evaluated: 2016-02-17. Review status: no assertion criteria provided. Collection method: clinical testing. Allele origin: unknown. Not counted in ClinVar's aggregate classification.

Knight Diagnostic Laboratories, Oregon Health and Sciences University
Classification: Uncertain significance for Hereditary diffuse gastric adenocarcinoma. Last evaluated: 2015-09-26. Review status: no assertion criteria provided. Criteria: ACMG Guidelines, 2015. Collection method: clinical testing. Allele origin: germline. Affected: no. Study: CSER-NextGen. Not counted in ClinVar's aggregate classification.

Department of Pathology and Laboratory Medicine, Sinai Health System
Classification: Uncertain significance. Review status: no assertion criteria provided. Collection method: clinical testing. Allele origin: unknown. Affected: yes. Observed: 1 variant allele. Study: The Canadian Open Genetics Repository (COGR). Not counted in ClinVar's aggregate classification.
Comment: The CDH1 p.Asp433Asn variant was identified in 4 of 2232 proband chromosomes (frequency: 0.002) from individuals or families with lobular breast carcinoma, metanephric adenoma or gastric cancer and was not identified in 850 control chromosomes from healthy individuals (Ding 2018, Li 2013, Schrader 2011, Tung 2016). The variant was also identified in dbSNP (ID: rs199886166) as "With Uncertain significance allele" and ClinVar (classified as uncertain significance by Invitae, GeneDx, Ambry Genetics and four other submitters). The variant was identified in control databases in 12 of 246262 chromosomes at a frequency of 0.00005 (Genome Aggregation Database Feb 27, 2017). The variant was observed in the following populations: European in 2 of 111710 chromosomes (freq: 0.00002), Ashkenazi Jewish in 8 of 9850 chromosomes (freq: 0.0008), and East Asian in 2 of 17248 chromosomes (freq: 0.0001), while the variant was not observed in the African, Other, Latino, Finnish, and South Asian populations. RNA analysis of the p.Asp433Asn variant demonstrated normal-length mRNA, suggesting this variant does not induce splicing defects in E-cadherin (Li 2013). The p.Asp433 residue is not conserved in mammals and 5 of 5 computational analyses (PolyPhen-2, SIFT, AlignGVGD, BLOSUM, MutationTaster) do not suggest a high likelihood of impact to the protein; however, this information is not predictive enough to rule out pathogenicity. The variant occurs outside of the splicing consensus sequence and in silico or computational prediction software programs (SpliceSiteFinder, MaxEntScan, NNSPLICE, GeneSplicer) do not predict a difference in splicing. In summary, based on the above information the clinical significance of this variant cannot be determined with certainty at this time. This variant is classified as a variant of uncertain significance.

Literature cited by the submitters: PubMed 22722839 (cited by Women's Health and Genetics/Laboratory Corporation of America, LabCorp); PubMed 20921021 (cited by 4 submitters); PubMed 26976419 (cited by 3 submitters); PubMed 26182300 (cited by Women's Health and Genetics/Laboratory Corporation of America, LabCorp and Quest Diagnostics Nichols Institute San Juan Capistrano); PubMed 23435907 (cited by 5 submitters); PubMed 30287823 (cited by 3 submitters); PubMed 28061482 (cited by Women's Health and Genetics/Laboratory Corporation of America, LabCorp and Quest Diagnostics Nichols Institute San Juan Capistrano); PubMed 26759166 (cited by Quest Diagnostics Nichols Institute San Juan Capistrano); PubMed 28301460 (cited by Quest Diagnostics Nichols Institute San Juan Capistrano); PubMed 32885271 (cited by Quest Diagnostics Nichols Institute San Juan Capistrano); PubMed 32175104 (cited by Quest Diagnostics Nichols Institute San Juan Capistrano); PubMed 30311375 (cited by Quest Diagnostics Nichols Institute San Juan Capistrano); PubMed 36243179 (cited by Quest Diagnostics Nichols Institute San Juan Capistrano); PubMed 36436516 (cited by Quest Diagnostics Nichols Institute San Juan Capistrano and European Reference Network on Genetic Tumour Risk Syndromes (ERN-GENTURIS), i3s - Instituto de Investigação e Inovação em Saúde, University of Porto); PubMed 34643667 (cited by Quest Diagnostics Nichols Institute San Juan Capistrano); PubMed 31783775 (cited by Quest Diagnostics Nichols Institute San Juan Capistrano).